The following is an entry in ClinVar:

ClinVar aggregate classification (germline): Uncertain significance (1 of 4 stars; one submission).

Conditions:
GRN-related frontotemporal lobar degeneration with Tdp43 inclusions (FTD2). Also called: DEMENTIA, HEREDITARY DYSPHASIC DISINHIBITION; GRN Frontotemporal Dementia; FRONTOTEMPORAL DEMENTIA WITH TDP43 INCLUSIONS, GRN-RELATED; FRONTOTEMPORAL LOBAR DEGENERATION WITH UBIQUITIN-POSITIVE INCLUSIONS; FTLD-TDP, GRN-RELATED. Identifiers: Orphanet 100070, Orphanet 282, MedGen C1843792, MONDO:0011842, OMIM 607485. Disease mechanism: loss of function.
Neuronal ceroid lipofuscinosis 11. Also called: GRN-Related Neuronal Ceroid-Lipofuscinosis. Identifiers: Orphanet 314629, Orphanet 79262, MedGen C3539123, MONDO:0013866, OMIM 614706.

Allele frequency attached by ClinVar (database versions not stated): TOPMed below 0.00001; gnomAD 0.00001; gnomAD exomes 0.00001.
gnomAD v4.1: 4 of 1,614,072 alleles (0.00025%); highest among the groups gnomAD compares: East Asian, 0.0089%; no homozygotes.

Submission:

Labcorp Genetics (formerly Invitae), Labcorp
Classification: Uncertain significance for Neuronal ceroid lipofuscinosis 11; GRN-related frontotemporal lobar degeneration with Tdp43 inclusions. Last evaluated: 2018-11-27. Review status: criteria provided, single submitter. Criteria: Invitae Variant Classification Sherloc (09022015). Collection method: clinical testing. Allele origin: germline.
Comment: This sequence change replaces cysteine with arginine at codon 84 of the GRN protein (p.Cys84Arg). The cysteine residue is moderately conserved and there is a large physicochemical difference between cysteine and arginine. This variant is not present in population databases (ExAC no frequency). This variant has not been reported in the literature in individuals with GRN-related conditions. Algorithms developed to predict the effect of missense changes on protein structure and function are either unavailable or do not agree on the potential impact of this missense change (SIFT: "Tolerated"; PolyPhen-2: "Possibly Damaging"; Align-GVGD: "Class C0"). In summary, the available evidence is currently insufficient to determine the role of this variant in disease. Therefore, it has been classified as a Variant of Uncertain Significance.

NM_002087.4(GRN):c.250T>C (p.Cys84Arg)

Gene: GRN (granulin precursor; plus strand). Cytogenetic location: 17q21.31.
Variant type: single nucleotide variant.
Coding change: c.250T>C on transcript NM_002087.4 (MANE Select); coding-DNA position 250, T replaced by C.
Protein change: p.Cys84Arg; replaces cysteine 84 with arginine.
Molecular consequence: missense variant.
Genome position (GRCh38, 1-based): chr17:44,349,537, T>C. VCF-style: chr17-44349537-T-C. GRCh37 (hg19) VCF-style: chr17-42426905-T-C.
Other names: short protein forms C84R.
Identifiers: ClinVar variation 645886 (VCV000645886.8), dbSNP rs1598362876, ClinGen allele CA399759995.